The following is an entry in ClinVar:

ClinVar aggregate classification (germline): Uncertain significance (1 of 4 stars; one submission).

gnomAD v4.1: 56 of 1,613,170 alleles (0.0035%); highest among the groups gnomAD compares: Non-Finnish European, 0.0046%; no homozygotes.

Submission:

Labcorp Genetics (formerly Invitae), Labcorp
Classification: Uncertain significance. Last evaluated: 2025-03-17. Review status: criteria provided, single submitter. Criteria: Invitae Variant Classification Sherloc (09022015). Collection method: clinical testing. Allele origin: germline.
Comment: This sequence change replaces glutamine, which is neutral and polar, with leucine, which is neutral and non-polar, at codon 234 of the GHR protein (p.Gln234Leu). This variant is present in population databases (no rsID available, gnomAD 0.007%). This variant has not been reported in the literature in individuals affected with GHR-related conditions. Invitae Evidence Modeling of protein sequence and biophysical properties (such as structural, functional, and spatial information, amino acid conservation, physicochemical variation, residue mobility, and thermodynamic stability) indicates that this missense variant is not expected to disrupt GHR protein function with a negative predictive value of 95%. In summary, the available evidence is currently insufficient to determine the role of this variant in disease. Therefore, it has been classified as a Variant of Uncertain Significance.

NM_000163.5(GHR):c.701A>T (p.Gln234Leu)

Gene: GHR (growth hormone receptor; plus strand). Cytogenetic location: 5p12.
Variant type: single nucleotide variant.
Coding change: c.701A>T on transcript NM_000163.5 (MANE Select); coding-DNA position 701, A replaced by T.
Protein change: p.Gln234Leu; replaces glutamine 234 with leucine.
Molecular consequence: missense variant.
Genome position (GRCh38, 1-based): chr5:42,711,289, A>T. VCF-style: chr5-42711289-A-T. GRCh37 (hg19) VCF-style: chr5-42711391-A-T.
Other names: c.722A>T, p.Gln241Leu (NM_001242399.2); c.701A>T, p.Gln234Leu (NM_001242400.2, NM_001242401.4, NM_001242402.2 and 5 more transcripts); c.635A>T, p.Gln212Leu (NM_001242460.2); short protein forms Q212L, Q234L, Q241L.
Identifiers: ClinVar variation 4750178 (VCV004750178.1).
Genomic context (GRCh38, chr5:42,711,289, plus strand): 5'-CAGTTCCAGTGTACTCATTGAAAGTGGATAAGGAATATGAAGTGCGTGTGAGATCCAAAC[A>T]ACGAAACTCTGGAAATTATGGCGAGTTCAGTGAGGTGCTCTATGTAACACTTCCTCAGAT-3'
Protein context (NP_000154.1, residues 224-244): KEYEVRVRSK[Gln234Leu]RNSGNYGEFS